The following is an entry in ClinVar:

NM_020964.3(EPG5):c.871T>A (p.Tyr291Asn)

Gene: EPG5 (ectopic P-granules 5 autophagy tethering factor; minus strand). Cytogenetic location: 18q21.1.
Variant type: single nucleotide variant.
Coding change: c.871T>A on transcript NM_020964.3 (MANE Select); coding-DNA position 871, T replaced by A.
Protein change: p.Tyr291Asn; replaces tyrosine 291 with asparagine.
Molecular consequence: missense variant.
Genome position (GRCh38, 1-based): chr18:45,954,531, A>T on the plus strand (T>A on the coding strand, the complement: EPG5 is on the minus strand). VCF-style: chr18-45954531-A-T. GRCh37 (hg19) VCF-style: chr18-43534497-A-T.
Other names: c.871T>A, p.Tyr291Asn (NM_001410858.1, NM_001410859.1); short protein forms Y291N.
Identifiers: ClinVar variation 2413956 (VCV002413956.3), dbSNP rs374637282, ClinGen allele CA8949876.

ClinVar aggregate classification (germline): Uncertain significance (1 of 4 stars; one submission).

Conditions:
Vici syndrome (VICIS). Identifiers: Orphanet 1493, MedGen C1855772, MONDO:0009452, OMIM 242840.

Allele frequency attached by ClinVar (database versions not stated): ExAC 0.00001; gnomAD 0.00001; TOPMed 0.00001; gnomAD exomes 0.00002; ESP Exome Variant Server 0.00008.
gnomAD v4.1: 26 of 1,614,146 alleles (0.0016%); highest among the groups gnomAD compares: Non-Finnish European, 0.0021%; no homozygotes.

Submission:

Labcorp Genetics (formerly Invitae), Labcorp
Classification: Uncertain significance for Vici syndrome. Last evaluated: 2022-08-01. Review status: criteria provided, single submitter. Criteria: Invitae Variant Classification Sherloc (09022015). Collection method: clinical testing. Allele origin: germline.
Comment: This sequence change replaces tyrosine, which is neutral and polar, with asparagine, which is neutral and polar, at codon 291 of the EPG5 protein (p.Tyr291Asn). This variant is present in population databases (rs374637282, gnomAD 0.004%). This variant has not been reported in the literature in individuals affected with EPG5-related conditions. Algorithms developed to predict the effect of missense changes on protein structure and function are either unavailable or do not agree on the potential impact of this missense change (SIFT: "Deleterious"; PolyPhen-2: "Benign"; Align-GVGD: "Class C0"). In summary, the available evidence is currently insufficient to determine the role of this variant in disease. Therefore, it has been classified as a Variant of Uncertain Significance.